The following is an entry in ClinVar:

NM_001252024.2(TRPM1):c.451A>G (p.Met151Val)

Gene: TRPM1 (transient receptor potential cation channel subfamily M member 1; minus strand). Cytogenetic location: 15q13.3.
Variant type: single nucleotide variant.
Coding change: c.451A>G on transcript NM_001252024.2 (MANE Select); coding-DNA position 451, A replaced by G.
Protein change: p.Met151Val; replaces methionine 151 with valine.
Molecular consequence: missense variant.
Genome position (GRCh38, 1-based): chr15:31,067,921, T>C on the plus strand (A>G on the coding strand, the complement: TRPM1 is on the minus strand). VCF-style: chr15-31067921-T-C. GRCh37 (hg19) VCF-style: chr15-31360124-T-C.
Other names: c.502A>G, p.Met168Val (NM_001252020.2); c.385A>G, p.Met129Val (NM_002420.6); short protein forms M129V, M151V, M168V.
Identifiers: ClinVar variation 1412390 (VCV001412390.8), dbSNP rs371467200, ClinGen allele CA7452955.
Genomic context (GRCh38, chr15:31,067,921, plus strand): 5'-GAAAGGGCCTGCTCTTACCTGTGCTGACACCCCCGGTGAAGATCCAGGCCCCGGTGGTCA[T>C]AGCAGCCTTGATCAGGCCTTTCCCAAAGACTTGTTTCAGCTTGGGCTGCATCTCAAAGTT-3'
Protein context (NP_001238953.1, residues 141-161): VFGKGLIKAA[Met151Val]TTGAWIFTGG

ClinVar aggregate classification (germline): Uncertain significance (1 of 4 stars; one submission).

Allele frequency attached by ClinVar (database versions not stated): ExAC 0.00002; gnomAD exomes 0.00002; gnomAD 0.00003 and 0.00004; TOPMed 0.00004; ESP Exome Variant Server 0.00008.

Submission:

Labcorp Genetics (formerly Invitae), Labcorp
Classification: Uncertain significance. Last evaluated: 2022-08-22. Review status: criteria provided, single submitter. Criteria: Invitae Variant Classification Sherloc (09022015). Collection method: clinical testing. Allele origin: germline.
Comment: This sequence change replaces methionine, which is neutral and non-polar, with valine, which is neutral and non-polar, at codon 129 of the TRPM1 protein (p.Met129Val). This variant is present in population databases (rs371467200, gnomAD 0.02%). This variant has not been reported in the literature in individuals affected with TRPM1-related conditions. ClinVar contains an entry for this variant (Variation ID: 1412390). Algorithms developed to predict the effect of missense changes on protein structure and function output the following: SIFT: "Tolerated"; PolyPhen-2: "Benign"; Align-GVGD: "Class C0". The valine amino acid residue is found in multiple mammalian species, which suggests that this missense change does not adversely affect protein function. In summary, the available evidence is currently insufficient to determine the role of this variant in disease. Therefore, it has been classified as a Variant of Uncertain Significance.